The following is an entry in ClinVar:

ClinVar aggregate classification (germline): Uncertain significance. Review status: criteria provided, multiple submitters, no conflicts (2 of 4 stars). 2 submissions from 2 submitters: Uncertain significance (2). Last evaluated 2025-08-08.

Conditions:
Inborn genetic diseases. Identifiers: MedGen C0950123, MeSH D030342.
Fanconi anemia (FA). Also called: Fanconi's anemia. Identifiers: Orphanet 84, MedGen C0015625, MeSH D005199, MONDO:0019391.

Allele frequency attached by ClinVar (database versions not stated): gnomAD exomes below 0.00001; TOPMed below 0.00001; ExAC 0.00001; gnomAD 0.00001.
gnomAD v4.1: 2 of 1,614,080 alleles (0.00012%); highest among the groups gnomAD compares: African/African-American, 0.0027%; no homozygotes.

Submissions (2):

Ambry Genetics
Classification: Uncertain significance for Inborn genetic diseases. Last evaluated: 2025-08-08. Review status: criteria provided, single submitter. Criteria: Ambry Variant Classification Scheme 2023. Collection method: clinical testing. Allele origin: germline.

Labcorp Genetics (formerly Invitae), Labcorp
Classification: Uncertain significance for Fanconi anemia. Last evaluated: 2023-09-23. Review status: criteria provided, single submitter. Criteria: Invitae Variant Classification Sherloc (09022015). Collection method: clinical testing. Allele origin: germline.
Comment: ClinVar contains an entry for this variant (Variation ID: 939201). This sequence change replaces lysine, which is basic and polar, with asparagine, which is neutral and polar, at codon 1283 of the FANCA protein (p.Lys1283Asn). This variant is present in population databases (rs749869884, gnomAD 0.008%). This variant has not been reported in the literature in individuals affected with FANCA-related conditions. Advanced modeling of protein sequence and biophysical properties (such as structural, functional, and spatial information, amino acid conservation, physicochemical variation, residue mobility, and thermodynamic stability) has been performed at Invitae for this missense variant, however the output from this modeling did not meet the statistical confidence thresholds required to predict the impact of this variant on FANCA protein function. Algorithms developed to predict the effect of sequence changes on RNA splicing suggest that this variant may create or strengthen a splice site. In summary, the available evidence is currently insufficient to determine the role of this variant in disease. Therefore, it has been classified as a Variant of Uncertain Significance.

NM_000135.4(FANCA):c.3849G>T (p.Lys1283Asn)

Genes: FANCA (FA complementation group A; minus strand), ZNF276 (zinc finger protein 276; plus strand). Cytogenetic location: 16q24.3.
Variant type: single nucleotide variant.
Coding change: c.3849G>T on transcript NM_000135.4 (MANE Select); coding-DNA position 3849, G replaced by T.
Protein change: p.Lys1283Asn; replaces lysine 1283 with asparagine.
Molecular consequence: missense variant. On other transcripts: 3 prime UTR variant (2), non-coding transcript variant (4).
Genome position (GRCh38, 1-based): chr16:89,740,079, C>A on the plus strand (G>T on the coding strand, the complement: FANCA is on the minus strand). VCF-style: chr16-89740079-C-A. GRCh37 (hg19) VCF-style: chr16-89806487-C-A.
Other names: c.3849G>T, p.Lys1283Asn (NM_001286167.3); c.*1833C>A (NM_001113525.2, NM_152287.4); short protein forms K1283N.
Identifiers: ClinVar variation 939201 (VCV000939201.10), dbSNP rs749869884, ClinGen allele CA8250925.